The following is an entry in ClinVar:

NM_019066.5(MAGEL2):c.3511C>T (p.Arg1171Ter)

Gene: MAGEL2 (MAGE family member L2; minus strand). Cytogenetic location: 15q11.2.
Variant type: single nucleotide variant.
Coding change: c.3511C>T on transcript NM_019066.5 (MANE Select); coding-DNA position 3511, C replaced by T.
Protein change: p.Arg1171Ter; replaces arginine 1171 with a stop codon.
Molecular consequence: nonsense.
Genome position (GRCh38, 1-based): chr15:23,644,232, G>A on the plus strand (C>T on the coding strand, the complement: MAGEL2 is on the minus strand). VCF-style: chr15-23644232-G-A. GRCh37 (hg19) VCF-style: chr15-23889379-G-A.
Other names: c.3511C>T (NM_019066.4); short protein forms R1171*.
Identifiers: ClinVar variation 3011553 (VCV003011553.6), dbSNP rs181803795, ClinGen allele CA7429683.
Genomic context (GRCh38, chr15:23,644,232, plus strand): 5'-CCAGGAATGCTCGAGGGCCCCAGAGGAACTCATACTCTGCGGGCTCAGTGTAAGGGATTC[G>A]CCTGTACTCTAGGTACTTCTGCCTGACAAACACTTCGGTGATGAGCTTCTTAGTATTTCC-3'

ClinVar aggregate classification (germline): Uncertain significance. Review status: criteria provided, multiple submitters, no conflicts (2 of 4 stars). 3 submissions from 3 submitters: Uncertain significance (3). Last evaluated 2026-03-11.

Conditions:
MAGEL2-related disorder. Also called: MAGEL2-related condition.

Allele frequency attached by ClinVar (database versions not stated): ExAC 0.00001; gnomAD 0.00001; gnomAD exomes 0.00001; 1000 Genomes Project 30x 0.00016; 1000 Genomes Project 0.00020.

Submissions (3):

PreventionGenetics, part of Exact Sciences
Classification: Uncertain significance for MAGEL2-related condition. Last evaluated: 2026-03-11. Review status: criteria provided, single submitter. Criteria: ACMG Guidelines, 2015. Collection method: clinical testing. Allele origin: germline.
Comment: The MAGEL2 c.3511C>T variant is predicted to result in premature protein termination (p.Arg1171*). To our knowledge, this variant has not been reported in the literature. This variant is reported in 0.0065% of alleles in individuals of South Asian descent in gnomAD. While nonsense variants are an established mechanism of disease in MAGEL2, this particular variant is located downstream of the majority of reported cases and therefore the molecular consequences of this variant are unknown. Although we suspect that this variant may be pathogenic, at this time, the clinical significance of this variant is uncertain due to the absence of conclusive functional and genetic evidence.

GeneDx
Classification: Uncertain significance. Last evaluated: 2025-12-04. Review status: criteria provided, single submitter. Criteria: GeneDx Variant Classification Process June 2021. Collection method: clinical testing. Allele origin: germline.
Comment: Not observed at significant frequency in large population cohorts (gnomAD); Nonsense variant predicted to result in protein truncation as the last 79 amino acid(s) are lost; Has not been previously published as pathogenic or benign to our knowledge

Labcorp Genetics (formerly Invitae), Labcorp
Classification: Uncertain significance. Last evaluated: 2023-04-06. Review status: criteria provided, single submitter. Criteria: Invitae Variant Classification Sherloc (09022015). Collection method: clinical testing. Allele origin: germline.
Comment: This sequence change creates a premature translational stop signal (p.Arg1171*) in the MAGEL2 gene. While this is not anticipated to result in nonsense mediated decay, it is expected to disrupt the last 79 amino acid(s) of the MAGEL2 protein. This variant is present in population databases (rs181803795, gnomAD 0.006%). In summary, the available evidence is currently insufficient to determine the role of this variant in disease. Therefore, it has been classified as a Variant of Uncertain Significance. Experimental studies and prediction algorithms are not available or were not evaluated, and the functional significance of this variant is currently unknown. This variant has not been reported in the literature in individuals affected with MAGEL2-related conditions.